The following is an entry in ClinVar:

NM_015459.5(ATL3):c.887T>G (p.Leu296Arg)

Genes: ATL3 (atlastin GTPase 3; minus strand), LNCROPM (lncRNA regulator of PLAAT3 mediated phospholipid metabolism; plus strand). Cytogenetic location: 11q13.1.
Variant type: single nucleotide variant.
Coding change: c.887T>G on transcript NM_015459.5 (MANE Select); coding-DNA position 887, T replaced by G.
Protein change: p.Leu296Arg; replaces leucine 296 with arginine.
Molecular consequence: missense variant.
Genome position (GRCh38, 1-based): chr11:63,636,298, A>C on the plus strand (T>G on the coding strand, the complement: ATL3 is on the minus strand). VCF-style: chr11-63636298-A-C. GRCh37 (hg19) VCF-style: chr11-63403770-A-C.
Other names: c.833T>G, p.Leu278Arg (NM_001290048.2); short protein forms L278R, L296R.
Identifiers: ClinVar variation 2915015 (VCV002915015.4), dbSNP rs2495636417, ClinGen allele CA381026789.

ClinVar aggregate classification (germline): Uncertain significance. Review status: criteria provided, multiple submitters, no conflicts (2 of 4 stars). 2 submissions from 2 submitters: Uncertain significance (2). Last evaluated 2023-03-31.

Conditions:
Neuropathy, hereditary sensory, type 1F. Also called: HSN IF; Hereditary sensory neuropathy type IF. Identifiers: Orphanet 36386, MedGen C3810194, MONDO:0014286, OMIM 615632.

gnomAD v4.1: 1 of 1,614,178 alleles (0.000062%); highest among the groups gnomAD compares: Non-Finnish European, 0.000085%; no homozygotes.

Submissions (2):

Labcorp Genetics (formerly Invitae), Labcorp
Classification: Uncertain significance for Neuropathy, hereditary sensory, type 1F. Last evaluated: 2023-03-31. Review status: criteria provided, single submitter. Criteria: Invitae Variant Classification Sherloc (09022015). Collection method: clinical testing. Allele origin: germline.
Comment: In summary, the available evidence is currently insufficient to determine the role of this variant in disease. Therefore, it has been classified as a Variant of Uncertain Significance. Advanced modeling of protein sequence and biophysical properties (such as structural, functional, and spatial information, amino acid conservation, physicochemical variation, residue mobility, and thermodynamic stability) performed at Invitae indicates that this missense variant is expected to disrupt ATL3 protein function. This variant has not been reported in the literature in individuals affected with ATL3-related conditions. This variant is not present in population databases (gnomAD no frequency). This sequence change replaces leucine, which is neutral and non-polar, with arginine, which is basic and polar, at codon 296 of the ATL3 protein (p.Leu296Arg).

Blueprint Genetics
Classification: Uncertain significance. Last evaluated: 2022-01-07. Review status: criteria provided, single submitter. Criteria: ACMG Guidelines, 2015. Collection method: clinical testing. Allele origin: germline.